The following is an entry in ClinVar:

ClinVar aggregate classification (germline): Conflicting classifications of pathogenicity. Review status: criteria provided, conflicting classifications (1 of 4 stars). 2 submissions from 2 submitters: Uncertain significance (1); Likely benign (1). Last evaluated 2025-01-06.

Conditions:
Inborn genetic diseases. Identifiers: MedGen C0950123, MeSH D030342.

gnomAD v4.1: 4 of 1,613,190 alleles (0.00025%); highest among the groups gnomAD compares: African/African-American, 0.0013%; no homozygotes.

Submissions (2):

Ambry Genetics
Classification: Likely benign for Inborn genetic diseases. Last evaluated: 2025-01-06. Review status: criteria provided, single submitter. Criteria: Ambry Variant Classification Scheme 2023. Collection method: clinical testing. Allele origin: germline.

GeneDx
Classification: Uncertain significance. Last evaluated: 2024-11-19. Review status: criteria provided, single submitter. Criteria: GeneDx Variant Classification Process June 2021. Collection method: clinical testing. Allele origin: germline. Affected: yes.
Comment: Not observed at significant frequency in large population cohorts (gnomAD); In silico analysis indicates that this missense variant does not alter protein structure/function; Has not been previously published as pathogenic or benign to our knowledge

NM_001136193.2(FASTKD2):c.103G>A (p.Val35Ile)

Gene: FASTKD2 (FAST kinase domains 2; plus strand). Cytogenetic location: 2q33.3.
Variant type: single nucleotide variant.
Coding change: c.103G>A on transcript NM_001136193.2 (MANE Select); coding-DNA position 103, G replaced by A.
Protein change: p.Val35Ile; replaces valine 35 with isoleucine.
Molecular consequence: missense variant.
Genome position (GRCh38, 1-based): chr2:206,766,796, G>A. VCF-style: chr2-206766796-G-A. GRCh37 (hg19) VCF-style: chr2-207631520-G-A.
Other names: c.103G>A, p.Val35Ile (NM_001136194.2, NM_014929.4); short protein forms V35I.
Identifiers: ClinVar variation 3848918 (VCV003848918.2).
Genomic context (GRCh38, chr2:206,766,796, plus strand): 5'-AGCAAAATGAATAACAAAGCGGGCTCCTTTTTCTGGAACCTTAGACAATTCAGTACATTA[G>A]TTTCAACAAGCAGAACTATGAGGCTATGTTGTTTGGGACTTTGCAAACCAAAAATAGTTC-3'
Protein context (NP_001129665.1, residues 25-45): FWNLRQFSTL[Val35Ile]STSRTMRLCC